The following is an entry in ClinVar:

NM_007192.4(SUPT16H):c.1234-4C>T

Gene: SUPT16H (SPT16 homolog, facilitates chromatin remodeling subunit; minus strand). Cytogenetic location: 14q11.2.
Variant type: single nucleotide variant.
Coding change: c.1234-4C>T on transcript NM_007192.4 (MANE Select); 4 bases into the intron before coding-DNA position 1234, C replaced by T.
Molecular consequence: intron variant.
Genome position (GRCh38, 1-based): chr14:21,363,507, G>A on the plus strand (C>T on the coding strand, the complement: SUPT16H is on the minus strand). VCF-style: chr14-21363507-G-A. GRCh37 (hg19) VCF-style: chr14-21831666-G-A.
Identifiers: ClinVar variation 3059395 (VCV003059395.2), dbSNP rs146874412, ClinGen allele CA7090141.

ClinVar aggregate classification (germline): Benign (0 of 4 stars; one submission).

Conditions:
SUPT16H-related disorder. Also called: SUPT16H-related condition.

Allele frequency attached by ClinVar (database versions not stated): ESP Exome Variant Server 0.00392; gnomAD exomes 0.00861; gnomAD 0.01317; ExAC 0.02231; 1000 Genomes Project 0.02276; TOPMed 0.02330; 1000 Genomes Project 30x 0.02530.
gnomAD v4.1: 14,511 of 1,610,416 alleles (0.9%); highest among the groups gnomAD compares: Admixed American, 17%; 1,052 homozygotes.

Submission:

PreventionGenetics, part of Exact Sciences
Classification: Benign for SUPT16H-related condition. Last evaluated: 2019-04-17. Review status: no assertion criteria provided. Collection method: clinical testing. Allele origin: germline.
Comment: This variant is classified as benign based on ACMG/AMP sequence variant interpretation guidelines (Richards et al. 2015 PMID: 25741868, with internal and published modifications).